The following is an entry in ClinVar:

ClinVar aggregate classification (germline): Uncertain significance (1 of 4 stars; one submission).

Conditions:
Aortic aneurysm, familial thoracic 7 (AAT7). Also called: AORTIC DISSECTION, FAMILIAL, WITH OR WITHOUT AORTIC ANEURYSM. Identifiers: MedGen C3151077, MONDO:0013418, OMIM 613780.

gnomAD v4.1: 2 of 1,614,152 alleles (0.00012%); highest among the groups gnomAD compares: Non-Finnish European, 0.00017%; no homozygotes.

Submission:

Labcorp Genetics (formerly Invitae), Labcorp
Classification: Uncertain significance for Aortic aneurysm, familial thoracic 7. Last evaluated: 2024-12-19. Review status: criteria provided, single submitter. Criteria: Invitae Variant Classification Sherloc (09022015). Collection method: clinical testing. Allele origin: germline.
Comment: This sequence change replaces alanine, which is neutral and non-polar, with valine, which is neutral and non-polar, at codon 1799 of the MYLK protein (p.Ala1799Val). This variant is not present in population databases (gnomAD no frequency). This variant has not been reported in the literature in individuals affected with MYLK-related conditions. Invitae Evidence Modeling of protein sequence and biophysical properties (such as structural, functional, and spatial information, amino acid conservation, physicochemical variation, residue mobility, and thermodynamic stability) indicates that this missense variant is not expected to disrupt MYLK protein function with a negative predictive value of 80%. In summary, the available evidence is currently insufficient to determine the role of this variant in disease. Therefore, it has been classified as a Variant of Uncertain Significance.

NM_053025.4(MYLK):c.5396C>T (p.Ala1799Val)

Genes: MYLK-AS1 (MYLK antisense RNA 1; plus strand), MYLK (myosin light chain kinase; minus strand). Cytogenetic location: 3q21.1.
Variant type: single nucleotide variant.
Coding change: c.5396C>T on transcript NM_053025.4 (MANE Select); coding-DNA position 5396, C replaced by T.
Protein change: p.Ala1799Val; replaces alanine 1799 with valine.
Molecular consequence: missense variant.
Genome position (GRCh38, 1-based): chr3:123,618,743, G>A on the plus strand (C>T on the coding strand, the complement: MYLK is on the minus strand). VCF-style: chr3-123618743-G-A. GRCh37 (hg19) VCF-style: chr3-123337590-G-A.
Other names: c.4868C>T, p.Ala1623Val (NM_001321309.2); c.5189C>T, p.Ala1730Val (NM_053026.4); c.5243C>T, p.Ala1748Val (NM_053027.4); c.5036C>T, p.Ala1679Val (NM_053028.4); c.113C>T, p.Ala38Val (NM_053031.4); c.116C>T, p.Ala39Val (NM_053032.4); short protein forms A1679V, A1748V, A38V, A1730V, A1623V, A1799V, A39V.
Identifiers: ClinVar variation 3707361 (VCV003707361.2).